The following is an entry in ClinVar:

NM_006231.4(POLE):c.6107A>G (p.Glu2036Gly)

Gene: POLE (DNA polymerase epsilon, catalytic subunit; minus strand). Cytogenetic location: 12q24.33.
Variant type: single nucleotide variant.
Coding change: c.6107A>G on transcript NM_006231.4 (MANE Select); coding-DNA position 6107, A replaced by G.
Protein change: p.Glu2036Gly; replaces glutamic acid 2036 with glycine.
Molecular consequence: missense variant.
Genome position (GRCh38, 1-based): chr12:132,632,693, T>C on the plus strand (A>G on the coding strand, the complement: POLE is on the minus strand). VCF-style: chr12-132632693-T-C. GRCh37 (hg19) VCF-style: chr12-133209279-T-C.
Other names: c.6107A>G (NM_006231.2); short protein forms E2036G.
Identifiers: ClinVar variation 540649 (VCV000540649.9), dbSNP rs751818136, ClinGen allele CA387370393.
Genomic context (GRCh38, chr12:132,632,693, plus strand): 5'-CAGTGGCCTCAAAAGACAAAAGACTGCTCACCGGGAAGGGCTCCGACCGCCCCCTCGGCC[T>C]CCTGGGAGAGCTGGCTGGCCCCCCTCCTCCTCACGGGGGTGCTCCCTGGAGCACTGCGCC-3'
Protein context (NP_006222.2, residues 2026-2046): RRRGASQLSQ[Glu2036Gly]AEGAVGALPG

ClinVar aggregate classification (germline): Uncertain significance. Review status: criteria provided, multiple submitters, no conflicts (2 of 4 stars). 2 submissions from 2 submitters: Uncertain significance (2). Last evaluated 2025-05-27.

Conditions:
Hereditary cancer-predisposing syndrome. Also called: Neoplastic Syndromes, Hereditary; Hereditary Cancer Syndrome; Hereditary neoplastic syndrome; Tumor predisposition. Identifiers: Orphanet 140162, MedGen C0027672, MeSH D009386, MONDO:0015356.

Submissions (2):

Labcorp Genetics (formerly Invitae), Labcorp
Classification: Uncertain significance. Last evaluated: 2025-05-27. Review status: criteria provided, single submitter. Criteria: Invitae Variant Classification Sherloc (09022015). Collection method: clinical testing. Allele origin: germline.
Comment: This sequence change replaces glutamic acid, which is acidic and polar, with glycine, which is neutral and non-polar, at codon 2036 of the POLE protein (p.Glu2036Gly). This variant is not present in population databases (gnomAD no frequency). This variant has not been reported in the literature in individuals affected with POLE-related conditions. ClinVar contains an entry for this variant (Variation ID: 540649). Invitae Evidence Modeling of protein sequence and biophysical properties (such as structural, functional, and spatial information, amino acid conservation, physicochemical variation, residue mobility, and thermodynamic stability) indicates that this missense variant is not expected to disrupt POLE protein function with a negative predictive value of 80%. In summary, the available evidence is currently insufficient to determine the role of this variant in disease. Therefore, it has been classified as a Variant of Uncertain Significance.

Ambry Genetics
Classification: Uncertain significance for Hereditary cancer-predisposing syndrome. Last evaluated: 2024-04-27. Review status: criteria provided, single submitter. Criteria: Ambry Variant Classification Scheme 2023. Collection method: clinical testing. Allele origin: germline.
Comment: The p.E2036G variant (also known as c.6107A>G), located in coding exon 44 of the POLE gene, results from an A to G substitution at nucleotide position 6107. The glutamic acid at codon 2036 is replaced by glycine, an amino acid with similar properties. This amino acid position is conserved. In addition, this alteration is predicted to be tolerated by in silico analysis. Based on the available evidence, the clinical significance of this variant remains unclear.